The following is an entry in ClinVar:

NM_018062.4(FANCL):c.863del (p.Val287_Leu288insTer)

Gene: FANCL (FA complementation group L; minus strand). Cytogenetic location: 2p16.1.
Variant type: Deletion.
Coding change: c.863del on transcript NM_018062.4 (MANE Select); coding-DNA position 863, one base deleted (T; older notation c.863delT).
Protein change: p.Val287_Leu288insTer.
Molecular consequence: nonsense. On other transcripts: frameshift variant (1).
Genome position (GRCh38, 1-based): chr2:58,162,906, A deleted on the plus strand (T on the coding strand, the reverse complement: FANCL is on the minus strand); the first of 4 consecutive A bases (chr2:58,162,906-58,162,909); deleting any one gives the same sequence. VCF-style (leftmost placement, unchanged base first): chr2-58162905-TA-T. GRCh37 (hg19) VCF-style: chr2-58390040-TA-T.
Other names: c.875delT, p.Leu293Terfs (NM_001114636.2); c.908del, p.Val302_Leu303insTer (NM_001374615.1); c.923del, p.Val307_Leu308insTer (NM_001410792.1).
Identifiers: ClinVar variation 2858984 (VCV002858984.3), dbSNP rs2466606700, ClinGen allele CA2739274472.

ClinVar aggregate classification (germline): Pathogenic (1 of 4 stars; one submission).

Conditions:
Fanconi anemia (FA). Also called: Fanconi's anemia. Identifiers: Orphanet 84, MedGen C0015625, MeSH D005199, MONDO:0019391.

Submission:

Labcorp Genetics (formerly Invitae), Labcorp
Classification: Pathogenic for Fanconi anemia. Last evaluated: 2023-04-25. Review status: criteria provided, single submitter. Criteria: Invitae Variant Classification Sherloc (09022015). Collection method: clinical testing. Allele origin: germline.
Comment: For these reasons, this variant has been classified as Pathogenic. This variant has not been reported in the literature in individuals affected with FANCL-related conditions. This variant is not present in population databases (gnomAD no frequency). This sequence change creates a premature translational stop signal (p.Leu288*) in the FANCL gene. It is expected to result in an absent or disrupted protein product. Loss-of-function variants in FANCL are known to be pathogenic (PMID: 19405097, 23613520).

Literature cited by the submitters: PubMed 19405097; PubMed 23613520.